The following is an entry in ClinVar:

ClinVar aggregate classification (germline): Benign (1 of 4 stars; one submission).

Conditions:
Lynch syndrome 5 (LYNCH5). Also called: Colorectal cancer, hereditary nonpolyposis, type 5; Hereditary non-polyposis colorectal cancer, type 5. Identifiers: Orphanet 144, MedGen C1833477, MONDO:0013710, OMIM 614350. Disease mechanism: loss of function.

Submission:

Myriad Genetics, Inc.
Classification: Benign for Lynch syndrome 5. Last evaluated: 2025-01-07. Review status: criteria provided, single submitter. Criteria: Myriad Autosomal Dominant, Autosomal Recessive and X-Linked Classification Criteria (2023). Collection method: clinical testing. Allele origin: unknown.
Comment: This variant is considered benign. This variant is intronic and is not expected to impact mRNA splicing.

NM_000179.3(MSH6):c.3646+27_3646+30del

Gene: MSH6 (mutS homolog 6; plus strand). Cytogenetic location: 2p16.3.
Variant type: Deletion.
Coding change: c.3646+27_3646+30del on transcript NM_000179.3 (MANE Select); bases 27 to 30 of the intron after coding-DNA position 3646, 4 bases deleted (GACT; older notation c.3646+27_3646+30delGACT).
Molecular consequence: intron variant.
Genome position (GRCh38, 1-based): chr2:47,805,734-47,805,737, GACT deleted. VCF-style (leftmost placement, unchanged base first): chr2-47805733-AGACT-A. GRCh37 (hg19) VCF-style: chr2-48032872-AGACT-A.
Other names: c.3646+27_3646+30del (NM_001406809.1, NM_001406796.1, NM_001406808.1 and 1 more transcripts); c.2740+27_2740+30del (NM_001406811.1, NM_001406814.1, NM_001281493.2 and 6 more transcripts); c.3349+27_3349+30del (NM_001406805.1, NM_001406797.1, NM_001406801.1 and 10 more transcripts); c.3742+27_3742+30del (NM_001406795.1, NM_001406802.1); c.3652+27_3652+30del (NM_001406813.1); c.3121+27_3121+30del (NM_001406807.1, NM_001406799.1, NM_001406806.1); c.3472+27_3472+30del (NM_001406798.1); c.2782+27_2782+30del (NM_001406803.1); and 7 more.
Identifiers: ClinVar variation 3904755 (VCV003904755.1).